The following is an entry in ClinVar:

NM_177438.3(DICER1):c.5527+4T>C

Gene: DICER1 (dicer 1, ribonuclease III; minus strand). Cytogenetic location: 14q32.13.
Variant type: single nucleotide variant.
Coding change: c.5527+4T>C on transcript NM_177438.3 (MANE Select); 4 bases into the intron after coding-DNA position 5527, T replaced by C.
Molecular consequence: intron variant.
Genome position (GRCh38, 1-based): chr14:95,091,199, A>G on the plus strand (T>C on the coding strand, the complement: DICER1 is on the minus strand). VCF-style: chr14-95091199-A-G. GRCh37 (hg19) VCF-style: chr14-95557536-A-G.
Other names: c.5527+4T>C (NM_001291628.2, NM_030621.4, NM_001271282.3); c.5365-90T>C (NM_001195573.1).
Identifiers: ClinVar variation 1396970 (VCV001396970.7), dbSNP rs779742174, ClinGen allele CA7330652.

ClinVar aggregate classification (germline): Uncertain significance (1 of 4 stars; one submission).

Conditions:
DICER1-related tumor predisposition. Also called: DICER1 syndrome; DICER1-related pleuropulmonary blastoma cancer predisposition syndrome. Identifiers: Orphanet 284343, MedGen C3839822, MONDO:0100216.

Allele frequency attached by ClinVar (database versions not stated): gnomAD exomes below 0.00001; TOPMed below 0.00001; ExAC 0.00001.
gnomAD v4.1: 2 of 1,614,152 alleles (0.00012%); highest among the groups gnomAD compares: South Asian, 0.0011%; no homozygotes.

Submission:

Labcorp Genetics (formerly Invitae), Labcorp
Classification: Uncertain significance for DICER1-related tumor predisposition. Last evaluated: 2025-10-01. Review status: criteria provided, single submitter. Criteria: Invitae Variant Classification Sherloc (09022015). Collection method: clinical testing. Allele origin: germline.
Comment: This sequence change falls in intron 25 of the DICER1 gene. It does not directly change the encoded amino acid sequence of the DICER1 protein. It affects a nucleotide within the consensus splice site. This variant is present in population databases (rs779742174, gnomAD 0.0009%). This variant has not been reported in the literature in individuals affected with DICER1-related conditions. ClinVar contains an entry for this variant (Variation ID: 1396970). Variants that disrupt the consensus splice site are a relatively common cause of aberrant splicing (PMID: 17576681, 9536098). Algorithms developed to predict the effect of sequence changes on RNA splicing suggest that this variant is not likely to affect RNA splicing. In summary, the available evidence is currently insufficient to determine the role of this variant in disease. Therefore, it has been classified as a Variant of Uncertain Significance.

Literature cited by the submitters: PubMed 17576681; PubMed 9536098.